The following is an entry in ClinVar:

ClinVar aggregate classification (germline): Uncertain significance (0 of 4 stars; one submission).

Conditions:
DNMT3A-related disorder. Also called: DNMT3A-related condition; DNMT3A-related disorders.

Submission:

PreventionGenetics, part of Exact Sciences
Classification: Uncertain significance for DNMT3A-related condition. Last evaluated: 2024-04-24. Review status: no assertion criteria provided. Collection method: clinical testing. Allele origin: germline.
Comment: The DNMT3A c.1529T>C variant is predicted to result in the amino acid substitution p.Val510Ala. To our knowledge, this variant has not been reported in the literature or in a large population database, indicating this variant is rare. At this time, the clinical significance of this variant is uncertain due to the absence of conclusive functional and genetic evidence.

NM_022552.5(DNMT3A):c.1529T>C (p.Val510Ala)

Gene: DNMT3A (DNA methyltransferase 3 alpha; minus strand). Cytogenetic location: 2p23.3.
Variant type: single nucleotide variant.
Coding change: c.1529T>C on transcript NM_022552.5 (MANE Select); coding-DNA position 1529, T replaced by C.
Protein change: p.Val510Ala; replaces valine 510 with alanine.
Molecular consequence: missense variant. On other transcripts: non-coding transcript variant (1).
Genome position (GRCh38, 1-based): chr2:25,245,278, A>G on the plus strand (T>C on the coding strand, the complement: DNMT3A is on the minus strand). VCF-style: chr2-25245278-A-G. GRCh37 (hg19) VCF-style: chr2-25468147-A-G.
Other names: c.1073T>C, p.Val358Ala (NM_001320893.1); c.860T>C, p.Val287Ala (NM_001375819.1); c.962T>C, p.Val321Ala (NM_153759.3); c.1529T>C, p.Val510Ala (NM_175629.2); short protein forms V287A, V321A, V358A, V510A.
Identifiers: ClinVar variation 3346090 (VCV003346090.1).